The following is an entry in ClinVar:

NM_001267550.2(TTN):c.24130C>G (p.Leu8044Val)

Gene: TTN (titin; minus strand). Cytogenetic location: 2q31.2.
Variant type: single nucleotide variant.
Coding change: c.24130C>G on transcript NM_001267550.2 (MANE Select); coding-DNA position 24130, C replaced by G.
Protein change: p.Leu8044Val; replaces leucine 8044 with valine.
Molecular consequence: missense variant. On other transcripts: intron variant (3).
Genome position (GRCh38, 1-based): chr2:178,719,260, G>C on the plus strand (C>G on the coding strand, the complement: TTN is on the minus strand). VCF-style: chr2-178719260-G-C. GRCh37 (hg19) VCF-style: chr2-179583987-G-C.
Other names: c.23179C>G, p.Leu7727Val (NM_001256850.1); c.20398C>G, p.Leu6800Val (NM_133378.4); c.13282+18822C>G (NM_003319.4); c.13858+18822C>G (NM_133437.4); c.13657+18822C>G (NM_133432.3); short protein forms L6800V, L7727V, L8044V.
Identifiers: ClinVar variation 3373078 (VCV003373078.2).
Genomic context (GRCh38, chr2:178,719,260, plus strand): 5'-CAGCTACATTGGCAGCCACACACGTGTATATGCCTGTGTCGGAGGGCTCCAACAAGCTCA[G>C]ATTCAAAGTACAGACGTTTTCCGAAAAGCTGGACTGACATTTGGGCCCACTAACAATCTC-3'
Protein context (NP_001254479.2, residues 8034-8054): SFSENVCTLN[Leu8044Val]SLLEPSDTGI

ClinVar aggregate classification (germline): Uncertain significance. Review status: criteria provided, multiple submitters, no conflicts (2 of 4 stars). 2 submissions from 2 submitters: Uncertain significance (2). Last evaluated 2026-01-27.

Conditions:
TTN-related disorder. Also called: TTN-related condition; TTN-related disease; TTN-related disorders.

Submissions (2):

PreventionGenetics, part of Exact Sciences
Classification: Uncertain significance for TTN-related condition. Last evaluated: 2026-01-27. Review status: criteria provided, single submitter. Criteria: ACMG Guidelines, 2015. Collection method: clinical testing. Allele origin: germline.
Comment: The TTN c.24130C>G variant is predicted to result in the amino acid substitution p.Leu8044Val. To our knowledge, this variant has not been reported in the literature or in a large population database (gnomAD), indicating this variant is rare. At this time, the clinical significance of this variant is uncertain due to the absence of conclusive functional and genetic evidence.

GeneDx
Classification: Uncertain significance. Last evaluated: 2024-04-25. Review status: criteria provided, single submitter. Criteria: GeneDx Variant Classification Process June 2021. Collection method: clinical testing. Allele origin: germline. Affected: yes.
Comment: Not observed at significant frequency in large population cohorts (gnomAD); Missense variant in a gene in which most reported pathogenic variants are truncating/loss of function; Has not been previously published as pathogenic or benign to our knowledge